The following is an entry in ClinVar:

NM_017636.4(TRPM4):c.2420C>T (p.Pro807Leu)

Gene: TRPM4 (transient receptor potential cation channel subfamily M member 4; plus strand). Cytogenetic location: 19q13.33.
Variant type: single nucleotide variant.
Coding change: c.2420C>T on transcript NM_017636.4 (MANE Select); coding-DNA position 2420, C replaced by T.
Protein change: p.Pro807Leu; replaces proline 807 with leucine.
Molecular consequence: missense variant. On other transcripts: intron variant (1).
Genome position (GRCh38, 1-based): chr19:49,196,649, C>T. VCF-style: chr19-49196649-C-T. GRCh37 (hg19) VCF-style: chr19-49699906-C-T.
Other names: c.2075C>T, p.Pro692Leu (NM_001321281.2); c.812C>T, p.Pro271Leu (NM_001321282.2); c.1898C>T, p.Pro633Leu (NM_001321283.2); c.1358C>T, p.Pro453Leu (NM_001321285.2); c.2211-3651C>T (NM_001195227.2); short protein forms P271L, P633L, P692L, P453L, P807L.
Identifiers: ClinVar variation 1416524 (VCV001416524.11), dbSNP rs142257045, ClinGen allele CA9569546.

ClinVar aggregate classification (germline): Uncertain significance. Review status: criteria provided, multiple submitters, no conflicts (2 of 4 stars). 4 submissions from 4 submitters: Uncertain significance (4). Last evaluated 2025-05-26.

Conditions:
Erythrokeratodermia variabilis et progressiva 6. Identifiers: MedGen C5193144, MONDO:0032801, OMIM 618531.
Progressive familial heart block type IB (PFHB1B). Identifiers: Orphanet 871, MedGen C1970298, MONDO:0011474, OMIM 604559.
Cardiovascular phenotype. Identifiers: MedGen CN230736.

Allele frequency attached by ClinVar (database versions not stated): gnomAD exomes 0.00002; ExAC 0.00005; ESP Exome Variant Server 0.00008.

Submissions (4):

Labcorp Genetics (formerly Invitae), Labcorp
Classification: Uncertain significance for Progressive familial heart block type IB. Last evaluated: 2025-05-26. Review status: criteria provided, single submitter. Criteria: Invitae Variant Classification Sherloc (09022015). Collection method: clinical testing. Allele origin: germline.
Comment: This sequence change replaces proline, which is neutral and non-polar, with leucine, which is neutral and non-polar, at codon 807 of the TRPM4 protein (p.Pro807Leu). The frequency data for this variant in the population databases is considered unreliable, as metrics indicate poor data quality at this position in the gnomAD database. This variant has not been reported in the literature in individuals affected with TRPM4-related conditions. ClinVar contains an entry for this variant (Variation ID: 1416524). An algorithm developed to predict the effect of missense changes on protein structure and function (PolyPhen-2) suggests that this variant is likely to be tolerated. In summary, the available evidence is currently insufficient to determine the role of this variant in disease. Therefore, it has been classified as a Variant of Uncertain Significance.

Ambry Genetics
Classification: Uncertain significance for Cardiovascular phenotype. Last evaluated: 2025-01-26. Review status: criteria provided, single submitter. Criteria: Ambry Variant Classification Scheme 2023. Collection method: clinical testing. Allele origin: germline.

GeneDx
Classification: Uncertain significance. Last evaluated: 2023-05-18. Review status: criteria provided, single submitter. Criteria: GeneDx Variant Classification Process June 2021. Collection method: clinical testing. Allele origin: germline. Affected: yes.
Comment: Not observed at significant frequency in large population cohorts (gnomAD); In silico analysis supports that this missense variant has a deleterious effect on protein structure/function; Has not been previously published as pathogenic or benign to our knowledge

Fulgent Genetics
Classification: Uncertain significance for Progressive familial heart block type IB; Erythrokeratodermia variabilis et progressiva 6. Last evaluated: 2021-09-24. Review status: criteria provided, single submitter. Criteria: ACMG Guidelines, 2015. Collection method: clinical testing. Allele origin: unknown.